The following is an entry in ClinVar:

ClinVar aggregate classification (germline): Benign/Likely benign. Review status: criteria provided, multiple submitters, no conflicts (2 of 4 stars). 2 submissions from 2 submitters: Benign (1); Likely benign (1). Last evaluated 2024-11-01.

Allele frequency attached by ClinVar (database versions not stated): ExAC 0.00977; 1000 Genomes Project 0.00359; gnomAD 0.00052; gnomAD exomes 0.00089 and 0.00267; TOPMed 0.00006; 1000 Genomes Project 30x 0.00344.
gnomAD v4.1: 1,301 of 1,528,390 alleles (0.085%); highest among the groups gnomAD compares: South Asian, 1.5%; 30 homozygotes.

Submissions (2):

CeGaT Center for Human Genetics Tuebingen
Classification: Benign. Last evaluated: 2024-11-01. Review status: criteria provided, single submitter. Criteria: CeGaT Center For Human Genetics Tuebingen Variant Classification Criteria Version 2. Collection method: clinical testing. Allele origin: germline. Affected: yes. Observed: 1 variant allele.
Comment: C11orf65: BP4, BS1, BS2

GeneDx
Classification: Likely benign. Last evaluated: 2019-07-26. Review status: criteria provided, single submitter. Criteria: GeneDx Variant Classification Process June 2021. Collection method: clinical testing. Allele origin: germline. Affected: yes.

NM_000051.4(ATM):c.5762+1025T>C

Genes: ATM (ATM serine/threonine kinase; plus strand), C11orf65 (chromosome 11 open reading frame 65; minus strand). Cytogenetic location: 11q22.3.
Variant type: single nucleotide variant.
Coding change: c.5762+1025T>C on transcript NM_000051.4 (MANE Select); 1025 bases into the intron after coding-DNA position 5762, T replaced by C.
Molecular consequence: intron variant. On other transcripts: missense variant (1), 3 prime UTR variant (1).
Genome position (GRCh38, 1-based): chr11:108,309,009, T>C. VCF-style: chr11-108309009-T-C. GRCh37 (hg19) VCF-style: chr11-108179736-T-C.
Other names: c.5762+1025T>C (NM_001351834.2); c.703A>G, p.Thr235Ala (NM_001330368.2); c.*101A>G (NM_001351110.2); short protein forms T235A.
Identifiers: ClinVar variation 1193598 (VCV001193598.17), dbSNP rs4988065, ClinGen allele CA6265775.
Genomic context (GRCh38, chr11:108,309,009, plus strand): 5'-CTTTGAGTCATTCATTTCAGACTTACCATTGGGGTAGAATGGTGTTGACATTAGCAGGAG[T>C]TGGAGAAGATAAAAATTCTTCATATTCCATTTTAATGCTGAATAAGATCCTGAAGAATAT-3'